The following is an entry in ClinVar:

ClinVar aggregate classification (germline): Pathogenic (1 of 4 stars; one submission).

Conditions:
Neurofibromatosis, type 1 (NF1). Also called: Neurofibromatosis, type I; Peripheral type neurofibromatosis; VON RECKLINGHAUSEN DISEASE; NEUROFIBROMATOSIS, TYPE I, SOMATIC. Identifiers: Orphanet 636, MedGen C0027831, MONDO:0018975, OMIM 162200. Disease mechanism: loss of function.

Submission:

Labcorp Genetics (formerly Invitae), Labcorp
Classification: Pathogenic for Neurofibromatosis, type 1. Last evaluated: 2023-10-22. Review status: criteria provided, single submitter. Criteria: Invitae Variant Classification Sherloc (09022015). Collection method: clinical testing. Allele origin: germline.
Comment: This sequence change creates a premature translational stop signal (p.Leu1018*) in the NF1 gene. It is expected to result in an absent or disrupted protein product. Loss-of-function variants in NF1 are known to be pathogenic (PMID: 10712197, 23913538). This variant is not present in population databases (gnomAD no frequency). This premature translational stop signal has been observed in individual(s) with neurofibromatosis type 1 (PMID: 24418705, 27838393). For these reasons, this variant has been classified as Pathogenic.

Literature cited by the submitters: PubMed 10712197; PubMed 23913538; PubMed 24418705; PubMed 27838393.

NM_001042492.3(NF1):c.3053T>G (p.Leu1018Ter)

Gene: NF1 (neurofibromin 1; plus strand). Cytogenetic location: 17q11.2.
Variant type: single nucleotide variant.
Coding change: c.3053T>G on transcript NM_001042492.3 (MANE Select); coding-DNA position 3053, T replaced by G.
Protein change: p.Leu1018Ter; replaces leucine 1018 with a stop codon.
Molecular consequence: nonsense.
Genome position (GRCh38, 1-based): chr17:31,230,322, T>G. VCF-style: chr17-31230322-T-G. GRCh37 (hg19) VCF-style: chr17-29557340-T-G.
Other names: c.3053T>G, p.Leu1018Ter (NM_000267.4); short protein forms L1018*.
Identifiers: ClinVar variation 2736535 (VCV002736535.3), dbSNP rs1597716924, ClinGen allele CA398987393.